The following is an entry in ClinVar:

NM_032043.3(BRIP1):c.355A>C (p.Asn119His)

Gene: BRIP1 (BRCA1 interacting DNA helicase 1; minus strand). Cytogenetic location: 17q23.2.
Variant type: single nucleotide variant.
Coding change: c.355A>C on transcript NM_032043.3 (MANE Select); coding-DNA position 355, A replaced by C.
Protein change: p.Asn119His; replaces asparagine 119 with histidine.
Molecular consequence: missense variant.
Genome position (GRCh38, 1-based): chr17:61,857,082, T>G on the plus strand (A>C on the coding strand, the complement: BRIP1 is on the minus strand). VCF-style: chr17-61857082-T-G. GRCh37 (hg19) VCF-style: chr17-59934443-T-G.
Other names: short protein forms N119H.
Identifiers: ClinVar variation 2626395 (VCV002626395.2), dbSNP rs2145826774, ClinGen allele CA400485307.

ClinVar aggregate classification (germline): Uncertain significance (1 of 4 stars; one submission).

Conditions:
Hereditary cancer-predisposing syndrome. Also called: Tumor predisposition; Hereditary Cancer Syndrome; Hereditary neoplastic syndrome; Neoplastic Syndromes, Hereditary. Identifiers: Orphanet 140162, MedGen C0027672, MeSH D009386, MONDO:0015356.

Allele frequency attached by ClinVar (database versions not stated): gnomAD exomes below 0.00001.
gnomAD v4.1: 1 of 1,614,128 alleles (0.000062%); highest among the groups gnomAD compares: Non-Finnish European, 0.000085%; no homozygotes.

Submission:

Ambry Genetics
Classification: Uncertain significance for Hereditary cancer-predisposing syndrome. Last evaluated: 2023-08-28. Review status: criteria provided, single submitter. Criteria: Ambry Variant Classification Scheme 2023. Collection method: clinical testing. Allele origin: germline.
Comment: The p.N119H variant (also known as c.355A>C), located in coding exon 3 of the BRIP1 gene, results from an A to C substitution at nucleotide position 355. The asparagine at codon 119 is replaced by histidine, an amino acid with similar properties. This amino acid position is conserved. In addition, this alteration is predicted to be tolerated by in silico analysis. Since supporting evidence is limited at this time, the clinical significance of this alteration remains unclear.